The following is an entry in ClinVar:

NM_002968.3(SALL1):c.98C>T (p.Pro33Leu)

Gene: SALL1 (spalt like transcription factor 1; minus strand). Cytogenetic location: 16q12.1.
Variant type: single nucleotide variant.
Coding change: c.98C>T on transcript NM_002968.3 (MANE Select); coding-DNA position 98, C replaced by T.
Protein change: p.Pro33Leu; replaces proline 33 with leucine.
Molecular consequence: missense variant. On other transcripts: 5 prime UTR variant (1).
Genome position (GRCh38, 1-based): chr16:51,142,124, G>A on the plus strand (C>T on the coding strand, the complement: SALL1 is on the minus strand). VCF-style: chr16-51142124-G-A. GRCh37 (hg19) VCF-style: chr16-51176035-G-A.
Other names: c.-194C>T (NM_001127892.2); short protein forms P33L.
Identifiers: ClinVar variation 3366267 (VCV003366267.1).

ClinVar aggregate classification (germline): Uncertain significance (1 of 4 stars; one submission).

gnomAD v4.1: 5 of 1,613,206 alleles (0.00031%); highest among the groups gnomAD compares: Admixed American, 0.0017%; no homozygotes.

Submission:

GeneDx
Classification: Uncertain significance. Last evaluated: 2023-10-19. Review status: criteria provided, single submitter. Criteria: GeneDx Variant Classification Process June 2021. Collection method: clinical testing. Allele origin: germline. Affected: yes.
Comment: In silico analysis supports that this missense variant does not alter protein structure/function; Has not been previously published as pathogenic or benign to our knowledge